The following is an entry in ClinVar:

ClinVar aggregate classification (germline): Uncertain significance. Review status: criteria provided, single submitter (1 of 4 stars). 2 submissions from 2 submitters: Uncertain significance (1). 1 of the submissions does not count toward it. Last evaluated 2023-09-29.

Conditions:
PEX13-related disorder. Also called: PEX13-related condition; PEX13-related disorders.

gnomAD v4.1: 2 of 1,613,856 alleles (0.00012%); highest among the groups gnomAD compares: Non-Finnish European, 0.00017%; no homozygotes.

Submissions (2):

Mayo Clinic Laboratories, Mayo Clinic
Classification: Uncertain significance. Last evaluated: 2023-09-29. Review status: criteria provided, single submitter. Criteria: ACMG Guidelines, 2015. Collection method: clinical testing. Allele origin: germline. Observed: 1 variant allele.
Comment: PM2_moderate

PreventionGenetics, part of Exact Sciences
Classification: Uncertain significance for PEX13-related condition. Last evaluated: 2024-07-10. Review status: no assertion criteria provided. Collection method: clinical testing. Allele origin: germline. Not counted in ClinVar's aggregate classification.
Comment: The PEX13 c.1106C>A variant is predicted to result in the amino acid substitution p.Ser369Tyr. To our knowledge, this variant has not been reported in the literature. This variant is reported in 0.0065% of alleles in individuals of European (Non-Finnish) descent in gnomAD. At this time, the clinical significance of this variant is uncertain due to the absence of conclusive functional and genetic evidence.

NM_002618.4(PEX13):c.1106C>A (p.Ser369Tyr)

Gene: PEX13 (peroxisomal biogenesis factor 13; plus strand). Cytogenetic location: 2p15.
Variant type: single nucleotide variant.
Coding change: c.1106C>A on transcript NM_002618.4 (MANE Select); coding-DNA position 1106, C replaced by A.
Protein change: p.Ser369Tyr; replaces serine 369 with tyrosine.
Molecular consequence: missense variant.
Genome position (GRCh38, 1-based): chr2:61,048,664, C>A. VCF-style: chr2-61048664-C-A. GRCh37 (hg19) VCF-style: chr2-61275799-C-A.
Other names: p.Ser369Tyr; short protein forms S369Y.
Identifiers: ClinVar variation 3356473 (VCV003356473.2).